The following is an entry in ClinVar:

NC_000005.10:g.(?_88804588)_(88884466_?)del

Gene: MEF2C (myocyte enhancer factor 2C; minus strand). Cytogenetic location: 5q14.3.
Variant type: Deletion.
Identifiers: ClinVar variation 831579 (VCV000831579.9).

ClinVar aggregate classification (germline): Pathogenic (1 of 4 stars; one submission).

Conditions:
Neurodevelopmental disorder with hypotonia, stereotypic hand movements, and impaired language. Also called: Intellectual disability, autosomal dominant 20. Identifiers: Orphanet 228384, Orphanet 664410, MedGen C3150700, MONDO:0013266, OMIM 613443.

Submission:

Labcorp Genetics (formerly Invitae), Labcorp
Classification: Pathogenic for Neurodevelopmental disorder with hypotonia, stereotypic hand movements, and impaired language. Last evaluated: 2019-12-23. Review status: criteria provided, single submitter. Criteria: Invitae Variant Classification Sherloc (09022015). Collection method: clinical testing. Allele origin: germline.
Comment: For these reasons, this variant has been classified as Pathogenic. Loss-of-function variants in MEF2C are known to be pathogenic (PMID: 20513142). This variant has been observed in individual(s) with MEF2C-related conditions (PMID: 22031302, 20333642). In at least one individual the variant was observed to be de novo. This variant is a gross deletion of the genomic region encompassing exons 1-3 of the MEF2C gene, which includes the initiator codon. The 5' end of this event is unknown as it extends beyond the assayed region for this gene and therefore may encompass additional genes. The 3' boundary is likely confined to intron 3 of the MEF2C gene. This is expected to result in an absent or disrupted protein product.

Literature cited by the submitters: PubMed 20513142; PubMed 22031302; PubMed 20333642.